The following is an entry in ClinVar:

NM_016495.6(TBC1D7):c.194-64_233delinsC

Genes: TBC1D7 (TBC1 domain family member 7; minus strand), TBC1D7-LOC100130357 (TBC1D7-LOC100130357 readthrough; minus strand). Cytogenetic location: 6p24.1.
Variant type: Indel.
Coding change: c.194-64_233delinsC on transcript NM_016495.6 (MANE Select); 64 bases into the intron before coding-DNA position 194 through coding-DNA position 233, the reference bases replaced by C.
Molecular consequence: splice acceptor variant.
Genome position (GRCh38, 1-based): chr6:13,321,056-13,321,159, 104 bases replaced. GRCh37 (hg19): chr6:13,321,288-13,321,391.
Other names: c.194-64_233delinsC (NM_001318809.2, NM_001258457.3, NM_001143965.4 and 2 more transcripts); c.113-64_152delinsC (NM_001143966.4, NM_001318806.2).
Identifiers: ClinVar variation 2758290 (VCV002758290.3), dbSNP rs2480565963, ClinGen allele CA2697546643.

ClinVar aggregate classification (germline): Likely pathogenic (1 of 4 stars; one submission).

Submission:

Labcorp Genetics (formerly Invitae), Labcorp
Classification: Likely pathogenic. Last evaluated: 2024-07-22. Review status: criteria provided, single submitter. Criteria: Invitae Variant Classification Sherloc (09022015). Collection method: clinical testing. Allele origin: germline.
Comment: This variant results in the deletion of part of exon 4 (c.194-64_233delinsC) of the TBC1D7 gene. It is expected to disrupt RNA splicing. Variants that disrupt the donor or acceptor splice site typically lead to a loss of protein function (PMID: 16199547), and loss-of-function variants in TBC1D7 are known to be pathogenic (PMID: 23687350, 24515783). This variant is not present in population databases (gnomAD no frequency). This variant has not been reported in the literature in individuals affected with TBC1D7-related conditions. In summary, the currently available evidence indicates that the variant is pathogenic, but additional data are needed to prove that conclusively. Therefore, this variant has been classified as Likely Pathogenic.

Literature cited by the submitters: PubMed 16199547; PubMed 23687350; PubMed 24515783.